The following is an entry in ClinVar:

NM_002133.3(HMOX1):c.496T>C (p.Phe166Leu)

Gene: HMOX1 (heme oxygenase 1; plus strand). Cytogenetic location: 22q12.3.
Variant type: single nucleotide variant.
Coding change: c.496T>C on transcript NM_002133.3 (MANE Select); coding-DNA position 496, T replaced by C.
Protein change: p.Phe166Leu; replaces phenylalanine 166 with leucine.
Molecular consequence: missense variant.
Genome position (GRCh38, 1-based): chr22:35,387,036, T>C. VCF-style: chr22-35387036-T-C. GRCh37 (hg19) VCF-style: chr22-35783029-T-C.
Other names: short protein forms F166L.
Identifiers: ClinVar variation 1478890 (VCV001478890.8), dbSNP rs753622181, ClinGen allele CA10204735.

ClinVar aggregate classification (germline): Uncertain significance (1 of 4 stars; one submission).

Allele frequency attached by ClinVar (database versions not stated): gnomAD exomes below 0.00001; ExAC 0.00001.

Submission:

Labcorp Genetics (formerly Invitae), Labcorp
Classification: Uncertain significance. Last evaluated: 2022-08-08. Review status: criteria provided, single submitter. Criteria: Invitae Variant Classification Sherloc (09022015). Collection method: clinical testing. Allele origin: germline.
Comment: This variant has not been reported in the literature in individuals affected with HMOX1-related conditions. In summary, the available evidence is currently insufficient to determine the role of this variant in disease. Therefore, it has been classified as a Variant of Uncertain Significance. Algorithms developed to predict the effect of missense changes on protein structure and function are either unavailable or do not agree on the potential impact of this missense change (SIFT: "Deleterious"; PolyPhen-2: "Probably Damaging"; Align-GVGD: "Class C0"). ClinVar contains an entry for this variant (Variation ID: 1478890). This variant is present in population databases (rs753622181, gnomAD 0.003%). This sequence change replaces phenylalanine, which is neutral and non-polar, with leucine, which is neutral and non-polar, at codon 166 of the HMOX1 protein (p.Phe166Leu).